The following is an entry in ClinVar:

ClinVar aggregate classification (germline): Uncertain significance (1 of 4 stars; one submission).

Conditions:
Combined oxidative phosphorylation defect type 27. Also called: Combined oxidative phosphorylation deficiency 27. Identifiers: Orphanet 477774, MedGen C5567608, MONDO:0014728, OMIM 616672.

Submission:

Labcorp Genetics (formerly Invitae), Labcorp
Classification: Uncertain significance for Combined oxidative phosphorylation defect type 27. Last evaluated: 2022-08-16. Review status: criteria provided, single submitter. Criteria: Invitae Variant Classification Sherloc (09022015). Collection method: clinical testing. Allele origin: germline.
Comment: Algorithms developed to predict the effect of sequence changes on RNA splicing suggest that this variant may create or strengthen a splice site. This sequence change creates a premature translational stop signal (p.Ala234Argfs*43) in the CARS2 gene. It is expected to result in an absent or disrupted protein product. However, the current clinical and genetic evidence is not sufficient to establish whether loss-of-function variants in CARS2 cause disease. This variant is not present in population databases (gnomAD no frequency). This variant has not been reported in the literature in individuals affected with CARS2-related conditions. ClinVar contains an entry for this variant (Variation ID: 1365435). In summary, the available evidence is currently insufficient to determine the role of this variant in disease. Therefore, it has been classified as a Variant of Uncertain Significance.

NM_024537.4(CARS2):c.700del (p.Ala234fs)

Gene: CARS2 (cysteinyl-tRNA synthetase 2, mitochondrial; minus strand). Cytogenetic location: 13q34.
Variant type: Deletion.
Coding change: c.700del on transcript NM_024537.4 (MANE Select); coding-DNA position 700, one base deleted (G; older notation c.700delG).
Protein change: p.Ala234fs; shifts the reading frame from alanine 234.
Molecular consequence: frameshift variant. On other transcripts: 5 prime UTR variant (1), non-coding transcript variant (2).
Genome position (GRCh38, 1-based): chr13:110,677,059, C deleted on the plus strand (G on the coding strand, the reverse complement: CARS2 is on the minus strand); the first of 2 consecutive C bases (chr13:110,677,059-110,677,060); deleting either gives the same sequence. VCF-style (leftmost placement, unchanged base first): chr13-110677058-GC-G. GRCh37 (hg19) VCF-style: chr13-111329405-GC-G.
Other names: c.-87del (NM_001352252.2); c.700del, p.Ala234fs (NM_001352253.3); short protein forms A234fs.
Identifiers: ClinVar variation 1365435 (VCV001365435.6), dbSNP rs2139808347, ClinGen allele CA2573149462.